The following is an entry in ClinVar:

ClinVar aggregate classification (germline): Pathogenic. Review status: reviewed by expert panel (3 of 4 stars). 4 submissions from 4 submitters: Pathogenic (1). 3 of the submissions do not count toward it. Last evaluated 2016-09-08.

Conditions:
Hereditary breast ovarian cancer syndrome. Also called: Hereditary breast and ovarian cancer syndrome (HBOC); Hereditary breast and ovarian cancer syndrome; Hereditary breast and ovarian cancer; Hereditary breast and/or ovarian cancer syndrome; Breast and ovarian cancer; BRCA1- and BRCA2-Associated Hereditary Breast and Ovarian Cancer. Identifiers: Orphanet 145, MedGen C0677776, MeSH D061325, MONDO:0003582. Disease mechanism: loss of function.
Breast-ovarian cancer, familial, susceptibility to, 1 (BROVCA1). Also called: OVARIAN CANCER, SUSCEPTIBILITY TO; BRCA1 Hereditary Breast and Ovarian Cancer. Identifiers: Orphanet 145, MedGen C2676676, MONDO:0011450, OMIM 604370. Disease mechanism: loss of function.

Submissions (4):

Evidence-based Network for the Interpretation of Germline Mutant Alleles (ENIGMA)
Classification: Pathogenic for Breast-ovarian cancer, familial, susceptibility to, 1. Last evaluated: 2016-09-08. Review status: reviewed by expert panel. Criteria: ENIGMA BRCA1/2 Classification Criteria (2015). Collection method: curation. Allele origin: germline.
Comment: Variant allele predicted to encode a truncated non-functional protein.

Labcorp Genetics (formerly Invitae), Labcorp
Classification: Pathogenic for Hereditary breast ovarian cancer syndrome. Last evaluated: 2023-10-23. Review status: criteria provided, single submitter. Criteria: Invitae Variant Classification Sherloc (09022015). Collection method: clinical testing. Allele origin: germline. Not counted in ClinVar's aggregate classification.
Comment: This sequence change creates a premature translational stop signal (p.Lys947Argfs*4) in the BRCA1 gene. It is expected to result in an absent or disrupted protein product. Loss-of-function variants in BRCA1 are known to be pathogenic (PMID: 20104584). This variant is not present in population databases (gnomAD no frequency). This variant has not been reported in the literature in individuals affected with BRCA1-related conditions. This variant is also known as BRCA1 2959delAA. ClinVar contains an entry for this variant (Variation ID: 54697). For these reasons, this variant has been classified as Pathogenic.

Consortium of Investigators of Modifiers of BRCA1/2 (CIMBA), c/o University of Cambridge
Classification: Pathogenic for Breast-ovarian cancer, familial, susceptibility to, 1. Last evaluated: 2015-10-02. Review status: criteria provided, single submitter. Criteria: CIMBA Mutation Classification guidelines May 2016. Collection method: clinical testing. Allele origin: germline. Not counted in ClinVar's aggregate classification.

Breast Cancer Information Core (BIC) (BRCA1)
Classification: Pathogenic for Breast-ovarian cancer, familial 1. Last evaluated: 2002-05-29. Review status: no assertion criteria provided. Collection method: clinical testing. Allele origin: germline. Affected: yes. Observed: 2 variant alleles. Not counted in ClinVar's aggregate classification.

Literature cited by the submitters: PubMed 20104584 (cited by Labcorp Genetics (formerly Invitae), Labcorp).

NM_007294.4(BRCA1):c.2840_2841del (p.Lys947fs)

Gene: BRCA1 (BRCA1 DNA repair associated; minus strand). Cytogenetic location: 17q21.31.
Variant type: Deletion.
Coding change: c.2840_2841del on transcript NM_007294.4 (MANE Select); coding-DNA positions 2840 to 2841, 2 bases deleted (AA; older notation c.2840_2841delAA).
Protein change: p.Lys947fs; shifts the reading frame from lysine 947.
Molecular consequence: frameshift variant. On other transcripts: intron variant (137).
Genome position (GRCh38, 1-based): chr17:43,092,690-43,092,691, TT deleted on the plus strand (AA on the coding strand, the reverse complement: BRCA1 is on the minus strand); deleting any 2 consecutive bases within chr17:43,092,690-43,092,692 gives the same sequence; the c. name uses the placement nearest the transcript's 3' end. VCF-style (leftmost placement, unchanged base first): chr17-43092689-CTT-C. GRCh37 (hg19) VCF-style: chr17-41244706-CTT-C.
Other names: 2959delAA; c.2840_2841delAA (NM_007294.3); c.647-1659_647-1658del (NM_001408458.1, NM_001408469.1, NM_001408453.1 and 11 more transcripts); c.284-1659_284-1658del (NM_001408512.1); c.407-1659_407-1658del (NM_001408510.1); c.644-1659_644-1658del (NM_001408470.1, NM_001408464.1, NM_001408468.1 and 3 more transcripts); c.785-1659_785-1658del (NM_001408397.1, NM_001408401.1, NM_001408396.1 and 13 more transcripts); c.665-1659_665-1658del (NM_001408436.1, NM_001408444.1, NM_001408438.1 and 12 more transcripts); and 43 more; short protein forms K900fs, K947fs, K858fs, K877fs, K899fs, K651fs, K819fs, K835fs.
Identifiers: ClinVar variation 54697 (VCV000054697.12), dbSNP rs80357984, ClinGen allele CA001856.